The following is an entry in ClinVar:

NM_005236.3(ERCC4):c.214T>C (p.Phe72Leu)

Gene: ERCC4 (ERCC excision repair 4, endonuclease catalytic subunit; plus strand). Cytogenetic location: 16p13.12.
Variant type: single nucleotide variant.
Coding change: c.214T>C on transcript NM_005236.3 (MANE Select); coding-DNA position 214, T replaced by C.
Protein change: p.Phe72Leu; replaces phenylalanine 72 with leucine.
Molecular consequence: missense variant.
Genome position (GRCh38, 1-based): chr16:13,922,037, T>C. VCF-style: chr16-13922037-T-C. GRCh37 (hg19) VCF-style: chr16-14015894-T-C.
Other names: short protein forms F72L.
Identifiers: ClinVar variation 1508872 (VCV001508872.6), dbSNP rs2141939855, ClinGen allele CA394817348.

ClinVar aggregate classification (germline): Uncertain significance (1 of 4 stars; one submission).

Conditions:
Cockayne syndrome. Identifiers: Orphanet 191, MedGen C0009207, MONDO:0016006.
Fanconi anemia complementation group Q. Identifiers: Orphanet 84, MedGen C3808988, MONDO:0014108, OMIM 615272.
Xeroderma pigmentosum, group F (XPF). Also called: ERCC4-Related Xeroderma Pigmentosum; XERODERMA PIGMENTOSUM, TYPE F; Xeroderma pigmentosum, type 6; XERODERMA PIGMENTOSUM, COMPLEMENTATION GROUP F; XERODERMA PIGMENTOSUM VI; XP, GROUP F. Identifiers: MedGen C0268140, MONDO:0010215, OMIM 278760.

Submission:

Labcorp Genetics (formerly Invitae), Labcorp
Classification: Uncertain significance for Fanconi anemia complementation group Q; Xeroderma pigmentosum, group F; Cockayne syndrome. Last evaluated: 2025-04-03. Review status: criteria provided, single submitter. Criteria: Invitae Variant Classification Sherloc (09022015). Collection method: clinical testing. Allele origin: germline.
Comment: This sequence change replaces phenylalanine, which is neutral and non-polar, with leucine, which is neutral and non-polar, at codon 72 of the ERCC4 protein (p.Phe72Leu). This variant is not present in population databases (gnomAD no frequency). This variant has not been reported in the literature in individuals affected with ERCC4-related conditions. ClinVar contains an entry for this variant (Variation ID: 1508872). Invitae Evidence Modeling of protein sequence and biophysical properties (such as structural, functional, and spatial information, amino acid conservation, physicochemical variation, residue mobility, and thermodynamic stability) indicates that this missense variant is not expected to disrupt ERCC4 protein function with a negative predictive value of 80%. In summary, the available evidence is currently insufficient to determine the role of this variant in disease. Therefore, it has been classified as a Variant of Uncertain Significance.